The following is an entry in ClinVar:

NM_001303256.3(MORC2):c.585C>T (p.Ser195=)

Gene: MORC2 (MORC family CW-type zinc finger 2; minus strand). Cytogenetic location: 22q12.2.
Variant type: single nucleotide variant.
Coding change: c.585C>T on transcript NM_001303256.3 (MANE Select); coding-DNA position 585, C replaced by T.
Protein change: p.Ser195=; no amino-acid change (serine 195 retained).
Molecular consequence: synonymous variant.
Genome position (GRCh38, 1-based): chr22:30,942,113, G>A on the plus strand (C>T on the coding strand, the complement: MORC2 is on the minus strand). VCF-style: chr22-30942113-G-A. GRCh37 (hg19) VCF-style: chr22-31338100-G-A.
Other names: c.585C>T, p.Ser195= (NM_001303257.2); c.399C>T, p.Ser133= (NM_014941.3).
Identifiers: ClinVar variation 958133 (VCV000958133.10), dbSNP rs751813402, ClinGen allele CA10187226.

ClinVar aggregate classification (germline): Uncertain significance (1 of 4 stars; one submission).

Conditions:
Charcot-Marie-Tooth disease axonal type 2Z. Also called: CHARCOT-MARIE-TOOTH DISEASE, AXONAL, AUTOSOMAL DOMINANT, TYPE 2Z; CHARCOT-MARIE-TOOTH NEUROPATHY, TYPE 2Z. Identifiers: Orphanet 466768, MedGen C5569025, MONDO:0014736, OMIM 616688.

Allele frequency attached by ClinVar (database versions not stated): gnomAD exomes below 0.00001 and 0.00001; TOPMed below 0.00001; ExAC 0.00001.
gnomAD v4.1: 9 of 1,613,054 alleles (0.00056%); highest among the groups gnomAD compares: Middle Eastern, 0.017%; no homozygotes.

Submission:

Labcorp Genetics (formerly Invitae), Labcorp
Classification: Uncertain significance for Charcot-Marie-Tooth disease axonal type 2Z. Last evaluated: 2021-04-17. Review status: criteria provided, single submitter. Criteria: Invitae Variant Classification Sherloc (09022015). Collection method: clinical testing. Allele origin: germline.
Comment: This variant has not been reported in the literature in individuals with MORC2-related conditions. This variant is present in population databases (rs751813402, ExAC 0.006%). This sequence change affects codon 195 of the MORC2 mRNA. It is a 'silent' change, meaning that it does not change the encoded amino acid sequence of the MORC2 protein. In summary, the available evidence is currently insufficient to determine the role of this variant in disease. Therefore, it has been classified as a Variant of Uncertain Significance. Experimental studies and prediction algorithms are not available or were not evaluated, and the effect of this variant on mRNA splicing is currently unknown.